The following is an entry in ClinVar:

NM_000718.4(CACNA1B):c.5536+13G>A

Gene: CACNA1B (calcium voltage-gated channel subunit alpha1 B; plus strand). Cytogenetic location: 9q34.3.
Variant type: single nucleotide variant.
Coding change: c.5536+13G>A on transcript NM_000718.4 (MANE Select); 13 bases into the intron after coding-DNA position 5536, G replaced by A.
Molecular consequence: intron variant.
Genome position (GRCh38, 1-based): chr9:138,112,518, G>A. VCF-style: chr9-138112518-G-A. GRCh37 (hg19) VCF-style: chr9-141006970-G-A.
Other names: c.5536+13G>A (NM_001243812.2).
Identifiers: ClinVar variation 1976430 (VCV001976430.5), dbSNP rs1032430022, ClinGen allele CA201870769.

ClinVar aggregate classification (germline): Uncertain significance (1 of 4 stars; one submission).

Submission:

Labcorp Genetics (formerly Invitae), Labcorp
Classification: Uncertain significance. Last evaluated: 2022-07-15. Review status: criteria provided, single submitter. Criteria: Invitae Variant Classification Sherloc (09022015). Collection method: clinical testing. Allele origin: germline.
Comment: This sequence change falls in intron 40 of the CACNA1B gene. It does not directly change the encoded amino acid sequence of the CACNA1B protein. In summary, the available evidence is currently insufficient to determine the role of this variant in disease. Therefore, it has been classified as a Variant of Uncertain Significance. Algorithms developed to predict the effect of sequence changes on RNA splicing suggest that this variant may disrupt the consensus splice site. This variant has not been reported in the literature in individuals affected with CACNA1B-related conditions. This variant is not present in population databases (gnomAD no frequency).